The following is an entry in ClinVar:

ClinVar aggregate classification (germline): Uncertain significance. Review status: criteria provided, multiple submitters, no conflicts (2 of 4 stars). 2 submissions from 2 submitters: Uncertain significance (2). Last evaluated 2025-12-17.

Conditions:
Hereditary cancer-predisposing syndrome. Also called: Hereditary neoplastic syndrome; Tumor predisposition; Neoplastic Syndromes, Hereditary; Hereditary Cancer Syndrome. Identifiers: Orphanet 140162, MedGen C0027672, MeSH D009386, MONDO:0015356.
Multiple endocrine neoplasia, type 2 (MEN2). Identifiers: Orphanet 653, MedGen C4048306, MONDO:0019003. Disease mechanism: gain of function.

Allele frequency attached by ClinVar (database versions not stated): gnomAD exomes 0.00001.
gnomAD v4.1: 8 of 1,614,040 alleles (0.0005%); highest among the groups gnomAD compares: Non-Finnish European, 0.00068%; no homozygotes.

Submissions (2):

Ambry Genetics
Classification: Uncertain significance for Hereditary cancer-predisposing syndrome. Last evaluated: 2025-12-17. Review status: criteria provided, single submitter. Criteria: Ambry Variant Classification Scheme 2023. Collection method: clinical testing. Allele origin: germline.
Comment: The p.G885W variant (also known as c.2653G>T), located in coding exon 15 of the RET gene, results from a G to T substitution at nucleotide position 2653. The glycine at codon 885 is replaced by tryptophan, an amino acid with highly dissimilar properties. This amino acid position is highly conserved in available vertebrate species. In addition, this alteration is predicted to be deleterious by in silico analysis. Based on the available evidence, the clinical significance of this variant remains unclear.

Labcorp Genetics (formerly Invitae), Labcorp
Classification: Uncertain significance for Multiple endocrine neoplasia, type 2. Last evaluated: 2021-12-07. Review status: criteria provided, single submitter. Criteria: Invitae Variant Classification Sherloc (09022015). Collection method: clinical testing. Allele origin: germline.
Comment: In summary, the available evidence is currently insufficient to determine the role of this variant in disease. Therefore, it has been classified as a Variant of Uncertain Significance. Algorithms developed to predict the effect of missense changes on protein structure and function are either unavailable or do not agree on the potential impact of this missense change (SIFT: "Deleterious"; PolyPhen-2: "Probably Damaging"; Align-GVGD: "Class C0"). This variant has not been reported in the literature in individuals affected with RET-related conditions. This variant is not present in population databases (gnomAD no frequency). This sequence change replaces glycine, which is neutral and non-polar, with tryptophan, which is neutral and slightly polar, at codon 885 of the RET protein (p.Gly885Trp).

NM_020975.6(RET):c.2653G>T (p.Gly885Trp)

Gene: RET (ret proto-oncogene; plus strand). Cytogenetic location: 10q11.21.
Variant type: single nucleotide variant.
Coding change: c.2653G>T on transcript NM_020975.6 (MANE Select); coding-DNA position 2653, G replaced by T.
Protein change: p.Gly885Trp; replaces glycine 885 with tryptophan.
Molecular consequence: missense variant.
Genome position (GRCh38, 1-based): chr10:43,120,126, G>T. VCF-style: chr10-43120126-G-T. GRCh37 (hg19) VCF-style: chr10-43615574-G-T.
Other names: c.1756G>T, p.Gly586Trp (NM_001406779.1, NM_001406780.1, NM_001406781.1 and 1 more transcripts); c.1627G>T, p.Gly543Trp (NM_001406783.1, NM_001406786.1); c.1663G>T, p.Gly555Trp (NM_001406784.1); c.1636G>T, p.Gly546Trp (NM_001406785.1); c.1621G>T, p.Gly541Trp (NM_001406787.1); c.1468G>T, p.Gly490Trp (NM_001406788.1, NM_001406789.1, NM_001406790.1); c.2653G>T, p.Gly885Trp (NM_000323.2, NM_001406743.1, NM_001406744.1 and 4 more transcripts); c.1891G>T, p.Gly631Trp (NM_001355216.2); and 10 more; short protein forms G631W, G885W, G402W, G541W, G546W, G753W, G797W, G490W.
Identifiers: ClinVar variation 1379480 (VCV001379480.8), dbSNP rs201487882, ClinGen allele CA376557157.